The following is an entry in ClinVar:

NM_015570.4(AUTS2):c.2894G>A (p.Arg965His)

Gene: AUTS2 (activator of transcription and developmental regulator AUTS2; plus strand). Cytogenetic location: 7q11.22.
Variant type: single nucleotide variant.
Coding change: c.2894G>A on transcript NM_015570.4 (MANE Select); coding-DNA position 2894, G replaced by A.
Protein change: p.Arg965His; replaces arginine 965 with histidine.
Molecular consequence: missense variant.
Genome position (GRCh38, 1-based): chr7:70,790,110, G>A. VCF-style: chr7-70790110-G-A. GRCh37 (hg19) VCF-style: chr7-70255096-G-A.
Other names: c.2822G>A, p.Arg941His (NM_001127231.3); short protein forms R941H, R965H.
Identifiers: ClinVar variation 3768888 (VCV003768888.1).

ClinVar aggregate classification (germline): Uncertain significance (1 of 4 stars; one submission).

gnomAD v4.1: 15 of 1,596,508 alleles (0.00094%); highest among the groups gnomAD compares: African/African-American, 0.004%; no homozygotes.

Submission:

Women's Health and Genetics/Laboratory Corporation of America, LabCorp
Classification: Uncertain significance. Last evaluated: 2025-02-21. Review status: criteria provided, single submitter. Criteria: LabCorp Variant Classification Summary - May 2015. Collection method: clinical testing. Allele origin: germline.
Comment: Variant summary: AUTS2 c.2894G>A (p.Arg965His) results in a non-conservative amino acid change in the encoded protein sequence. Four of five in-silico tools predict a damaging effect of the variant on protein function. The variant allele was found at a frequency of 9.4e-06 in 1596508 control chromosomes (gnomAD database v4). This frequency is not significantly higher than estimated for a pathogenic variant in AUTS2 causing Autism Spectrum Disorder Due To AUTS2 Deficiency, allowing no conclusion about variant significance. To our knowledge, no occurrence of c.2894G>A in individuals affected with Autism Spectrum Disorder Due To AUTS2 Deficiency and no experimental evidence demonstrating its impact on protein function have been reported. No submitters have cited clinical-significance assessments for this variant to ClinVar. Based on the evidence outlined above, the variant was classified as uncertain significance.